The following is an entry in ClinVar:

ClinVar aggregate classification (germline): Benign/Likely benign. Review status: criteria provided, multiple submitters, no conflicts (2 of 4 stars). 2 submissions from 2 submitters: Benign (1); Likely benign (1). Last evaluated 2024-06-24.

Conditions:
Ataxia-telangiectasia syndrome (AT). Also called: Ataxia telangiectasia (A-T); ATAXIA-TELANGIECTASIA, COMPLEMENTATION GROUP A; ATAXIA-TELANGIECTASIA, FRESNO VARIANT; Ataxia-telangiectasia; Ataxia-telangiectasia, complementation group E; LOUIS-BAR SYNDROME. Identifiers: Orphanet 100, MedGen C0004135, MONDO:0008840, OMIM 208900.
Familial cancer of breast. Also called: Hereditary breast cancer; hereditary breast carcinoma; BREAST CANCER, FAMILIAL. Identifiers: Orphanet 227535, MedGen C0346153, MONDO:0016419, OMIM 114480. Disease mechanism: loss of function.

gnomAD v4.1: 1 of 1,614,202 alleles (0.000062%); highest among the groups gnomAD compares: Non-Finnish European, 0.000085%; no homozygotes.

Submissions (2):

Myriad Genetics, Inc.
Classification: Benign for Familial cancer of breast. Last evaluated: 2024-06-24. Review status: criteria provided, single submitter. Criteria: Myriad Autosomal Dominant, Autosomal Recessive and X-Linked Classification Criteria (2023). Collection method: clinical testing. Allele origin: unknown.
Comment: This variant is considered benign. This variant is a silent/synonymous amino acid change and it is not expected to impact splicing.

Labcorp Genetics (formerly Invitae), Labcorp
Classification: Likely benign for Ataxia-telangiectasia syndrome. Last evaluated: 2019-11-09. Review status: criteria provided, single submitter. Criteria: Invitae Variant Classification Sherloc (09022015). Collection method: clinical testing. Allele origin: germline.

NM_000051.4(ATM):c.9060G>A (p.Val3020=)

Genes: ATM (ATM serine/threonine kinase; plus strand), C11orf65 (chromosome 11 open reading frame 65; minus strand). Cytogenetic location: 11q22.3.
Variant type: single nucleotide variant.
Coding change: c.9060G>A on transcript NM_000051.4 (MANE Select); coding-DNA position 9060, G replaced by A.
Protein change: p.Val3020=; no amino-acid change (valine 3020 retained).
Molecular consequence: synonymous variant. On other transcripts: intron variant (2).
Genome position (GRCh38, 1-based): chr11:108,365,397, G>A. VCF-style: chr11-108365397-G-A. GRCh37 (hg19) VCF-style: chr11-108236124-G-A.
Other names: c.9060G>A, p.Val3020= (NM_001351834.2); c.640+20523C>T (NM_001330368.2); c.694+20523C>T (NM_001351110.2).
Identifiers: ClinVar variation 1115234 (VCV001115234.10), dbSNP rs864622625, ClinGen allele CA476745203.